The following is an entry in ClinVar:

NM_005612.5(REST):c.1905G>A (p.Glu635=)

Gene: REST (RE1 silencing transcription factor; plus strand). Cytogenetic location: 4q12.
Variant type: single nucleotide variant.
Coding change: c.1905G>A on transcript NM_005612.5 (MANE Select); coding-DNA position 1905, G replaced by A.
Protein change: p.Glu635=; no amino-acid change (glutamic acid 635 retained).
Molecular consequence: synonymous variant.
Genome position (GRCh38, 1-based): chr4:56,930,763, G>A. VCF-style: chr4-56930763-G-A. GRCh37 (hg19) VCF-style: chr4-57796929-G-A.
Other names: c.1905G>A, p.Glu635= (NM_001193508.2, NM_001363453.3).
Identifiers: ClinVar variation 2179086 (VCV002179086.22), dbSNP rs760135295, ClinGen allele CA2932347.

ClinVar aggregate classification (germline): Likely benign. Review status: criteria provided, multiple submitters, no conflicts (2 of 4 stars). 2 submissions from 2 submitters: Likely benign (2). Last evaluated 2024-07-01.

Allele frequency attached by ClinVar (database versions not stated): gnomAD 0.00001; gnomAD exomes 0.00003; ExAC 0.00008.
gnomAD v4.1: 40 of 1,604,964 alleles (0.0025%); highest among the groups gnomAD compares: South Asian, 0.042%; no homozygotes.

Submissions (2):

CeGaT Center for Human Genetics Tuebingen
Classification: Likely benign. Last evaluated: 2024-07-01. Review status: criteria provided, single submitter. Criteria: CeGaT Center For Human Genetics Tuebingen Variant Classification Criteria Version 2. Collection method: clinical testing. Allele origin: germline. Affected: yes. Observed: 1 variant allele.
Comment: REST: BP4, BP7

Labcorp Genetics (formerly Invitae), Labcorp
Classification: Likely benign. Last evaluated: 2022-02-02. Review status: criteria provided, single submitter. Criteria: Invitae Variant Classification Sherloc (09022015). Collection method: clinical testing. Allele origin: germline.